The following is an entry in ClinVar:

NM_198506.5(LRIT3):c.1880T>C (p.Ile627Thr)

Gene: LRIT3 (leucine rich repeat, Ig-like and transmembrane domains 3; plus strand). Cytogenetic location: 4q25.
Variant type: single nucleotide variant.
Coding change: c.1880T>C on transcript NM_198506.5 (MANE Select); coding-DNA position 1880, T replaced by C.
Protein change: p.Ile627Thr; replaces isoleucine 627 with threonine.
Molecular consequence: missense variant.
Genome position (GRCh38, 1-based): chr4:109,870,629, T>C. VCF-style: chr4-109870629-T-C. GRCh37 (hg19) VCF-style: chr4-110791785-T-C.
Other names: short protein forms I627T.
Identifiers: ClinVar variation 1921956 (VCV001921956.5), dbSNP rs2545590486, ClinGen allele CA357873049.

ClinVar aggregate classification (germline): Uncertain significance (1 of 4 stars; one submission).

Submission:

Labcorp Genetics (formerly Invitae), Labcorp
Classification: Uncertain significance. Last evaluated: 2022-04-04. Review status: criteria provided, single submitter. Criteria: Invitae Variant Classification Sherloc (09022015). Collection method: clinical testing. Allele origin: germline.
Comment: This variant has not been reported in the literature in individuals affected with LRIT3-related conditions. Algorithms developed to predict the effect of missense changes on protein structure and function are either unavailable or do not agree on the potential impact of this missense change (SIFT: "Deleterious"; PolyPhen-2: "Possibly Damaging"; Align-GVGD: "Class C0"). In summary, the available evidence is currently insufficient to determine the role of this variant in disease. Therefore, it has been classified as a Variant of Uncertain Significance. This variant is not present in population databases (gnomAD no frequency). This sequence change replaces isoleucine, which is neutral and non-polar, with threonine, which is neutral and polar, at codon 627 of the LRIT3 protein (p.Ile627Thr).